The following is an entry in ClinVar:

ClinVar aggregate classification (germline): Conflicting classifications of pathogenicity. Review status: criteria provided, conflicting classifications (1 of 4 stars). 2 submissions from 2 submitters: Pathogenic (1); Uncertain significance (1). Last evaluated 2025-08-26.

Submissions (2):

Labcorp Genetics (formerly Invitae), Labcorp
Classification: Uncertain significance. Last evaluated: 2025-08-26. Review status: criteria provided, single submitter. Criteria: Invitae Variant Classification Sherloc (09022015). Collection method: clinical testing. Allele origin: germline.
Comment: This sequence change creates a premature translational stop signal (p.Gln434*) in the EPOR gene. While this is not anticipated to result in nonsense mediated decay, it is expected to disrupt the last 75 amino acid(s) of the EPOR protein. This variant is not present in population databases (gnomAD no frequency). This premature translational stop signal has been observed in individual(s) with erythrocytosis (PMID: 9359528, 29790589). It has also been observed to segregate with disease in related individuals. ClinVar contains an entry for this variant (Variation ID: 3380910). In summary, the available evidence is currently insufficient to determine the role of this variant in disease. Therefore, it has been classified as a Variant of Uncertain Significance.

Mayo Clinic Laboratories, Mayo Clinic
Classification: Pathogenic. Last evaluated: 2024-04-18. Review status: criteria provided, single submitter. Criteria: ACMG Guidelines, 2015. Collection method: clinical testing. Allele origin: germline. Observed: 2 variant alleles.
Comment: PP1, PM2_moderate, PS3, PS4_moderate, PVS1_strong

Literature cited by the submitters: PubMed 9359528 (cited by Labcorp Genetics (formerly Invitae), Labcorp and Mayo Clinic Laboratories, Mayo Clinic); PubMed 29790589 (cited by Labcorp Genetics (formerly Invitae), Labcorp and Mayo Clinic Laboratories, Mayo Clinic); PubMed 36292571 (cited by Mayo Clinic Laboratories, Mayo Clinic).

NM_000121.4(EPOR):c.1300C>T (p.Gln434Ter)

Gene: EPOR (erythropoietin receptor; minus strand). Cytogenetic location: 19p13.2.
Variant type: single nucleotide variant.
Coding change: c.1300C>T on transcript NM_000121.4 (MANE Select); coding-DNA position 1300, C replaced by T.
Protein change: p.Gln434Ter; replaces glutamine 434 with a stop codon.
Molecular consequence: nonsense. On other transcripts: non-coding transcript variant (1).
Genome position (GRCh38, 1-based): chr19:11,378,211, G>A on the plus strand (C>T on the coding strand, the complement: EPOR is on the minus strand). VCF-style: chr19-11378211-G-A. GRCh37 (hg19) VCF-style: chr19-11488887-G-A.
Other names: p.Gln434*; short protein forms Q434*.
Identifiers: ClinVar variation 3380910 (VCV003380910.2).